The following is an entry in ClinVar:

NM_004369.4(COL6A3):c.8966-124G>A

Gene: COL6A3 (collagen type VI alpha 3 chain; minus strand). Cytogenetic location: 2q37.3.
Variant type: single nucleotide variant.
Coding change: c.8966-124G>A on transcript NM_004369.4 (MANE Select); 124 bases into the intron before coding-DNA position 8966, G replaced by A.
Molecular consequence: intron variant.
Genome position (GRCh38, 1-based): chr2:237,335,013, C>T on the plus strand (G>A on the coding strand, the complement: COL6A3 is on the minus strand). VCF-style: chr2-237335013-C-T. GRCh37 (hg19) VCF-style: chr2-238243656-C-T.
Other names: c.7145-124G>A (NM_057166.5); c.8348-124G>A (NM_057167.4).
Identifiers: ClinVar variation 681333 (VCV000681333.2), dbSNP rs11681749, ClinGen allele CA11308286.
Genomic context (GRCh38, chr2:237,335,013, plus strand): 5'-GAGAGAGGAAATCTGAAAGGGATGTGTTAACAGACAAATTGACTTGAAATTTAGCTGAGG[C>T]GGGGAACTAATTTCTTGTTCAAGCCCCTAAAAAACATTGCTCTTATAATCTATCAGCATA-3'

ClinVar aggregate classification (germline): Benign. Review status: criteria provided, multiple submitters, no conflicts (2 of 4 stars). 2 submissions from 2 submitters: Benign (2). Last evaluated 2018-06-19.

Allele frequency attached by ClinVar (database versions not stated): 1000 Genomes Project 30x 0.04606; 1000 Genomes Project 0.04712; TOPMed 0.07488; gnomAD 0.07935 and 0.08057; gnomAD exomes 0.10855.
gnomAD v4.1: 116,566 of 1,118,666 alleles (10%); highest among the groups gnomAD compares: Non-Finnish European, 12%; 7,201 homozygotes.

Submissions (2):

GeneDx
Classification: Benign. Last evaluated: 2018-06-19. Review status: criteria provided, single submitter. Criteria: GeneDx Variant Classification (06012015). Collection method: clinical testing. Allele origin: germline. Affected: yes.
Comment: This variant is considered likely benign or benign based on one or more of the following criteria: it is a conservative change, it occurs at a poorly conserved position in the protein, it is predicted to be benign by multiple in silico algorithms, and/or has population frequency not consistent with disease.

Breakthrough Genomics
Classification: Benign. Review status: criteria provided, single submitter. Criteria: ACMG Guidelines, 2015. Collection method: not provided. Allele origin: germline. Inheritance: Autosomal recessive inheritance. Affected: yes.